The following is an entry in ClinVar:

ClinVar aggregate classification (germline): Uncertain significance. Review status: criteria provided, multiple submitters, no conflicts (2 of 4 stars). 2 submissions from 2 submitters: Uncertain significance (2). Last evaluated 2025-11-23.

Conditions:
Inborn genetic diseases. Identifiers: MedGen C0950123, MeSH D030342.
Diamond-Blackfan anemia. Also called: Blackfan Diamond syndrome; Aregenerative anemia chronic congenital; Red cell aplasia, pure hereditary; Congenital hypoplastic anemia; Aase syndrome. Identifiers: Orphanet 124, MedGen C1260899, MeSH D029503, MONDO:0015253, HP:0004810.
GATA binding protein 1 related thrombocytopenia with dyserythropoiesis. Also called: GATA1-Related X-Linked Cytopenia; GATA1-Related Cytopenia. Identifiers: MedGen C1845837, MONDO:0100089.

Allele frequency attached by ClinVar (database versions not stated): gnomAD exomes 0.00001 and 0.00002; ExAC 0.00002; gnomAD 0.00006 and 0.00007; ESP Exome Variant Server 0.00009; TOPMed 0.00015.

Submissions (2):

Labcorp Genetics (formerly Invitae), Labcorp
Classification: Uncertain significance for GATA binding protein 1 related thrombocytopenia with dyserythropoiesis; Diamond-Blackfan anemia. Last evaluated: 2025-11-23. Review status: criteria provided, single submitter. Criteria: Invitae Variant Classification Sherloc (09022015). Collection method: clinical testing. Allele origin: germline.
Comment: This sequence change replaces valine, which is neutral and non-polar, with alanine, which is neutral and non-polar, at codon 349 of the GATA1 protein (p.Val349Ala). The frequency data for this variant in the population databases is considered unreliable, as metrics indicate poor data quality at this position in the gnomAD database. This variant has not been reported in the literature in individuals affected with GATA1-related conditions. ClinVar contains an entry for this variant (Variation ID: 1047760). Invitae Evidence Modeling of protein sequence and biophysical properties (such as structural, functional, and spatial information, amino acid conservation, physicochemical variation, residue mobility, and thermodynamic stability) indicates that this missense variant is not expected to disrupt GATA1 protein function with a negative predictive value of 95%. In summary, the available evidence is currently insufficient to determine the role of this variant in disease. Therefore, it has been classified as a Variant of Uncertain Significance.

Ambry Genetics
Classification: Uncertain significance for Inborn genetic diseases. Last evaluated: 2023-12-20. Review status: criteria provided, single submitter. Criteria: Ambry Variant Classification Scheme 2023. Collection method: clinical testing. Allele origin: germline.

NM_002049.4(GATA1):c.1046T>C (p.Val349Ala)

Gene: GATA1 (GATA binding protein 1; plus strand). Cytogenetic location: Xp11.23.
Variant type: single nucleotide variant.
Coding change: c.1046T>C on transcript NM_002049.4 (MANE Select); coding-DNA position 1046, T replaced by C.
Protein change: p.Val349Ala; replaces valine 349 with alanine.
Molecular consequence: missense variant.
Genome position (GRCh38, 1-based): chrX:48,793,968, T>C. VCF-style: chrX-48793968-T-C. GRCh37 (hg19) VCF-style: chrX-48652375-T-C.
Other names: c.1046T>C (NM_002049.3); short protein forms V349A.
Identifiers: ClinVar variation 1047760 (VCV001047760.10), dbSNP rs146196033, ClinGen allele CA10404693.